The following is an entry in ClinVar:

ClinVar aggregate classification (germline): Uncertain significance (1 of 4 stars; one submission).

Conditions:
Immunodeficiency due to CD25 deficiency. Also called: IL2RA DEFICIENCY; IMMUNODEFICIENCY 41 WITH LYMPHOPROLIFERATION AND AUTOIMMUNITY; CD25 DEFICIENCY. Identifiers: Orphanet 169100, MedGen C1853392, MONDO:0011664, OMIM 606367.

Allele frequency attached by ClinVar (database versions not stated): gnomAD exomes 0.00001.
gnomAD v4.1: 8 of 1,613,992 alleles (0.0005%); highest among the groups gnomAD compares: Non-Finnish European, 0.00068%; no homozygotes.

Submission:

Labcorp Genetics (formerly Invitae), Labcorp
Classification: Uncertain significance for Immunodeficiency due to CD25 deficiency. Last evaluated: 2022-03-28. Review status: criteria provided, single submitter. Criteria: Invitae Variant Classification Sherloc (09022015). Collection method: clinical testing. Allele origin: germline.
Comment: In summary, the available evidence is currently insufficient to determine the role of this variant in disease. Therefore, it has been classified as a Variant of Uncertain Significance. Algorithms developed to predict the effect of missense changes on protein structure and function are either unavailable or do not agree on the potential impact of this missense change (SIFT: "Tolerated"; PolyPhen-2: "Probably Damaging"; Align-GVGD: "Class C0"). This variant has not been reported in the literature in individuals affected with IL2RA-related conditions. This variant is not present in population databases (gnomAD no frequency). This sequence change replaces valine, which is neutral and non-polar, with glycine, which is neutral and non-polar, at codon 144 of the IL2RA protein (p.Val144Gly).

NM_000417.3(IL2RA):c.431T>G (p.Val144Gly)

Gene: IL2RA (interleukin 2 receptor subunit alpha; minus strand). Cytogenetic location: 10p15.1.
Variant type: single nucleotide variant.
Coding change: c.431T>G on transcript NM_000417.3 (MANE Select); coding-DNA position 431, T replaced by G.
Protein change: p.Val144Gly; replaces valine 144 with glycine.
Molecular consequence: missense variant. On other transcripts: intron variant (2).
Genome position (GRCh38, 1-based): chr10:6,021,630, A>C on the plus strand (T>G on the coding strand, the complement: IL2RA is on the minus strand). VCF-style: chr10-6021630-A-C. GRCh37 (hg19) VCF-style: chr10-6063593-A-C.
Other names: c.368-2131T>G (NM_001308243.2); c.368-1689T>G (NM_001308242.2); short protein forms V144G.
Identifiers: ClinVar variation 2109741 (VCV002109741.4), dbSNP rs2539643371, ClinGen allele CA375926646.